The following is an entry in ClinVar:

ClinVar aggregate classification (germline): Uncertain significance. Review status: criteria provided, multiple submitters, no conflicts (2 of 4 stars). 3 submissions from 3 submitters: Uncertain significance (3). Last evaluated 2023-06-29.

Conditions:
Inborn genetic diseases. Identifiers: MedGen C0950123, MeSH D030342.

Allele frequency attached by ClinVar (database versions not stated): gnomAD exomes below 0.00001 and 0.00001; ExAC 0.00001.
gnomAD v4.1: 7 of 1,614,000 alleles (0.00043%); highest among the groups gnomAD compares: East Asian, 0.0022%; no homozygotes.

Submissions (3):

Ambry Genetics
Classification: Uncertain significance for Inborn genetic diseases. Last evaluated: 2023-06-29. Review status: criteria provided, single submitter. Criteria: Ambry Variant Classification Scheme 2023. Collection method: clinical testing. Allele origin: germline.

Labcorp Genetics (formerly Invitae), Labcorp
Classification: Uncertain significance. Last evaluated: 2022-07-04. Review status: criteria provided, single submitter. Criteria: Invitae Variant Classification Sherloc (09022015). Collection method: clinical testing. Allele origin: germline.
Comment: This sequence change replaces asparagine, which is neutral and polar, with serine, which is neutral and polar, at codon 335 of the CDH23 protein (p.Asn335Ser). This variant is present in population databases (rs539249395, gnomAD 0.004%). This variant has not been reported in the literature in individuals affected with CDH23-related conditions. ClinVar contains an entry for this variant (Variation ID: 1433944). Algorithms developed to predict the effect of missense changes on protein structure and function are either unavailable or do not agree on the potential impact of this missense change (SIFT: "Deleterious"; PolyPhen-2: "Not Available"; Align-GVGD: "Class C45"). Algorithms developed to predict the effect of sequence changes on RNA splicing suggest that this variant may create or strengthen a splice site. In summary, the available evidence is currently insufficient to determine the role of this variant in disease. Therefore, it has been classified as a Variant of Uncertain Significance.

Blueprint Genetics
Classification: Uncertain significance. Last evaluated: 2018-09-06. Review status: criteria provided, single submitter. Criteria: ACMG Guidelines, 2015. Collection method: clinical testing. Allele origin: germline.

NM_022124.6(CDH23):c.1004A>G (p.Asn335Ser)

Gene: CDH23 (cadherin related 23; plus strand). Cytogenetic location: 10q22.1.
Variant type: single nucleotide variant.
Coding change: c.1004A>G on transcript NM_022124.6 (MANE Select); coding-DNA position 1004, A replaced by G.
Protein change: p.Asn335Ser; replaces asparagine 335 with serine.
Molecular consequence: missense variant.
Genome position (GRCh38, 1-based): chr10:71,617,263, A>G. VCF-style: chr10-71617263-A-G. GRCh37 (hg19) VCF-style: chr10-73377020-A-G.
Other names: c.1004A>G, p.Asn335Ser (NM_001171930.2, NM_001171931.2, NM_001171932.2 and 1 more transcripts); c.1004A>G (NM_022124.5); short protein forms N335S.
Identifiers: ClinVar variation 1433944 (VCV001433944.7), dbSNP rs539249395, ClinGen allele CA5543620.